The following is an entry in ClinVar:

ClinVar aggregate classification (germline): Uncertain significance (1 of 4 stars; one submission).

Conditions:
Pierpont syndrome (PRPTS). Identifiers: Orphanet 487825, MedGen C1865644, MONDO:0011213, OMIM 602342.

Submission:

Labcorp Genetics (formerly Invitae), Labcorp
Classification: Uncertain significance for Pierpont syndrome. Last evaluated: 2023-04-15. Review status: criteria provided, single submitter. Criteria: Invitae Variant Classification Sherloc (09022015). Collection method: clinical testing. Allele origin: germline.
Comment: In summary, the available evidence is currently insufficient to determine the role of this variant in disease. Therefore, it has been classified as a Variant of Uncertain Significance. Variants that disrupt the consensus splice site are a relatively common cause of aberrant splicing (PMID: 17576681, 9536098). Algorithms developed to predict the effect of sequence changes on RNA splicing suggest that this variant may disrupt the consensus splice site. This variant has not been reported in the literature in individuals affected with TBL1XR1-related conditions. This variant is not present in population databases (gnomAD no frequency). This sequence change falls in intron 4 of the TBL1XR1 gene. It does not directly change the encoded amino acid sequence of the TBL1XR1 protein. It affects a nucleotide within the consensus splice site.

Literature cited by the submitters: PubMed 17576681; PubMed 9536098.

NM_024665.7(TBL1XR1):c.204_204+2dup

Gene: TBL1XR1 (TBL1X/Y related 1; minus strand). Cytogenetic location: 3q26.32.
Variant type: Duplication.
Coding change: c.204_204+2dup on transcript NM_024665.7 (MANE Select); coding-DNA position 204 through the canonical splice donor site of the intron after coding-DNA position 204, 3 bases duplicated (GGT; older notation c.204_204+2dupGGT).
Molecular consequence: splice donor variant.
Genome position (GRCh38, 1-based): chr3:177,053,771-177,053,773, ACC duplicated on the plus strand (GGT on the coding strand, the reverse complement: TBL1XR1 is on the minus strand). VCF-style (leftmost placement, unchanged base first): chr3-177053770-T-TACC. GRCh37 (hg19) VCF-style: chr3-176771558-T-TACC.
Other names: c.204_204+2dup (NM_001374327.1, NM_001321194.3, NM_001321193.3 and 2 more transcripts); c.-58_-58+2dup (NM_001374330.1, NM_001321195.3).
Identifiers: ClinVar variation 2856653 (VCV002856653.3), dbSNP rs2473747273, ClinGen allele CA2739278793.